The following is an entry in ClinVar:

ClinVar aggregate classification (germline): Pathogenic (1 of 4 stars; one submission).

Conditions:
Intellectual developmental disorder, X-linked, syndromic, Claes-Jensen type. Also called: Syndromic X-linked intellectual disability Claes-Jensen type; INTELLECTUAL DEVELOPMENTAL DISORDER, X-LINKED, SYNDROMIC 16; MENTAL RETARDATION, X-LINKED, SYNDROMIC 16. Identifiers: Orphanet 85279, MedGen C1845243, MONDO:0010355, OMIM 300534.

Submission:

Variantyx, Inc.
Classification: Pathogenic for Intellectual developmental disorder, X-linked, syndromic, Claes-Jensen type. Last evaluated: 2025-03-25. Review status: criteria provided, single submitter. Criteria: Variantyx Assertion Criteria 2022. Collection method: clinical testing. Allele origin: de novo. Affected: yes.
Comment: This is a frameshift variant in the KDM5C gene (OMIM: 314690). Pathogenic variants in this gene have been associated with X-linked Claes-Jensen type syndromic intellectual developmental disorder. This variant introduces a premature termination codon in exon 23 out of 26. It is expected to result in loss of function, which is a known disease mechanism for KDM5C in this disorder (PMID: 15586325, 18697827) (PVS1). This variant is absent from control populations (PM2_Supporting). This variant has not been reported in individuals with KDM5C-related disorders in the databases available for review. Based on the current evidence, this variant is classified as pathogenic for X-linked Claes-Jensen type syndromic intellectual developmental disorder.

NM_004187.5(KDM5C):c.3740_3741del (p.Cys1247fs)

Gene: KDM5C (lysine demethylase 5C; minus strand). Cytogenetic location: Xp11.22.
Variant type: Microsatellite.
Coding change: c.3740_3741del on transcript NM_004187.5 (MANE Select); coding-DNA positions 3740 to 3741, 2 bases deleted (GT; older notation c.3740_3741delGT).
Protein change: p.Cys1247fs; shifts the reading frame from cysteine 1247.
Molecular consequence: frameshift variant. On other transcripts: non-coding transcript variant (3).
Genome position (GRCh38, 1-based): chrX:53,194,436-53,194,437, AC deleted on the plus strand (GT on the coding strand, the reverse complement: KDM5C is on the minus strand); deleting any 2 consecutive bases within chrX:53,194,436-53,194,440 gives the same sequence; the c. name uses the placement nearest the transcript's 3' end. VCF-style (leftmost placement, unchanged base first): chrX-53194435-TAC-T. GRCh37 (hg19) VCF-style: chrX-53223617-TAC-T.
Other names: c.3539_3540del, p.Cys1180fs (NM_001146702.2); c.3737_3738del, p.Cys1246fs (NM_001282622.3, NM_001353979.2, NM_001353982.2); c.3740_3741del, p.Cys1247fs (NM_001353978.3, NM_001353981.2, NM_001353984.2); short protein forms C1180fs, C1246fs, C1247fs.
Identifiers: ClinVar variation 4759230 (VCV004759230.1).